The following is an entry in ClinVar:

ClinVar aggregate classification (germline): Uncertain significance (1 of 4 stars; one submission).

Allele frequency attached by ClinVar (database versions not stated): gnomAD 0.00001; TOPMed 0.00001.
gnomAD v4.1: 14 of 1,614,032 alleles (0.00087%); highest among the groups gnomAD compares: East Asian, 0.0067%; no homozygotes.

Submission:

Labcorp Genetics (formerly Invitae), Labcorp
Classification: Uncertain significance. Last evaluated: 2022-09-13. Review status: criteria provided, single submitter. Criteria: Invitae Variant Classification Sherloc (09022015). Collection method: clinical testing. Allele origin: germline.
Comment: This sequence change replaces proline, which is neutral and non-polar, with threonine, which is neutral and polar, at codon 597 of the LRIT3 protein (p.Pro597Thr). The frequency data for this variant in the population databases is considered unreliable, as metrics indicate poor data quality at this position in the gnomAD database. This variant has not been reported in the literature in individuals affected with LRIT3-related conditions. ClinVar contains an entry for this variant (Variation ID: 1026124). Algorithms developed to predict the effect of missense changes on protein structure and function are either unavailable or do not agree on the potential impact of this missense change (SIFT: "Deleterious"; PolyPhen-2: "Probably Damaging"; Align-GVGD: "Class C0"). In summary, the available evidence is currently insufficient to determine the role of this variant in disease. Therefore, it has been classified as a Variant of Uncertain Significance.

NM_198506.5(LRIT3):c.1789C>A (p.Pro597Thr)

Gene: LRIT3 (leucine rich repeat, Ig-like and transmembrane domains 3; plus strand). Cytogenetic location: 4q25.
Variant type: single nucleotide variant.
Coding change: c.1789C>A on transcript NM_198506.5 (MANE Select); coding-DNA position 1789, C replaced by A.
Protein change: p.Pro597Thr; replaces proline 597 with threonine.
Molecular consequence: missense variant.
Genome position (GRCh38, 1-based): chr4:109,870,538, C>A. VCF-style: chr4-109870538-C-A. GRCh37 (hg19) VCF-style: chr4-110791694-C-A.
Other names: short protein forms P597T.
Identifiers: ClinVar variation 1026124 (VCV001026124.2), dbSNP rs375638531, ClinGen allele CA3043264.